The following is an entry in ClinVar:

NM_001148.6(ANK2):c.6678T>G (p.Ser2226Arg)

Gene: ANK2 (ankyrin 2; plus strand). Cytogenetic location: 4q26.
Variant type: single nucleotide variant.
Coding change: c.6678T>G on transcript NM_001148.6 (MANE Select); coding-DNA position 6678, T replaced by G.
Protein change: p.Ser2226Arg; replaces serine 2226 with arginine.
Molecular consequence: missense variant. On other transcripts: intron variant (68).
Genome position (GRCh38, 1-based): chr4:113,355,296, T>G. VCF-style: chr4-113355296-T-G. GRCh37 (hg19) VCF-style: chr4-114276452-T-G.
Other names: c.4423+5047T>G (NM_001354246.2, NM_001354265.2, NM_001354235.2); c.4324+5047T>G (NM_001354236.2); c.4462+5047T>G (NM_001354232.2); c.4327+5047T>G (NM_001354228.2, NM_001354258.2); c.4264+5047T>G (NM_001354245.2, NM_001354262.2, NM_001354275.2); c.4228+5047T>G (NM_001354268.2); c.4126+5047T>G (NM_001354273.2); c.4426+5047T>G (NM_020977.5); and 36 more; short protein forms S1026R, S2265R, S2148R, S2226R, S2273R.
Identifiers: ClinVar variation 1357070 (VCV001357070.9), dbSNP rs1345711282, ClinGen allele CA357925023.

ClinVar aggregate classification (germline): Uncertain significance. Review status: criteria provided, multiple submitters, no conflicts (2 of 4 stars). 2 submissions from 2 submitters: Uncertain significance (2). Last evaluated 2024-03-15.

Conditions:
Cardiovascular phenotype. Identifiers: MedGen CN230736.
Long QT syndrome (LQTS). Identifiers: MedGen C0023976, MeSH D008133, MONDO:0002442. Disease mechanism: loss of function. Inheritance: Various modes of inheritance.

Allele frequency attached by ClinVar (database versions not stated): gnomAD exomes below 0.00001 and 0.00001; gnomAD 0.00001.
gnomAD v4.1: 4 of 1,613,816 alleles (0.00025%); highest among the groups gnomAD compares: Non-Finnish European, 0.00034%; no homozygotes.

Submissions (2):

Ambry Genetics
Classification: Uncertain significance for Cardiovascular phenotype. Last evaluated: 2024-03-15. Review status: criteria provided, single submitter. Criteria: Ambry Variant Classification Scheme 2023. Collection method: clinical testing. Allele origin: germline.
Comment: The p.S2226R variant (also known as c.6678T>G), located in coding exon 38 of the ANK2 gene, results from a T to G substitution at nucleotide position 6678. The serine at codon 2226 is replaced by arginine, an amino acid with dissimilar properties. This amino acid position is conserved. In addition, the in silico prediction for this alteration is inconclusive. Based on the available evidence, the clinical significance of this alteration remains unclear.

Labcorp Genetics (formerly Invitae), Labcorp
Classification: Uncertain significance for Long QT syndrome. Last evaluated: 2021-06-28. Review status: criteria provided, single submitter. Criteria: Invitae Variant Classification Sherloc (09022015). Collection method: clinical testing. Allele origin: germline.
Comment: Algorithms developed to predict the effect of sequence changes on RNA splicing suggest that this variant may create or strengthen a splice site, but this prediction has not been confirmed by published transcriptional studies. In summary, the available evidence is currently insufficient to determine the role of this variant in disease. Therefore, it has been classified as a Variant of Uncertain Significance. Algorithms developed to predict the effect of missense changes on protein structure and function are either unavailable or do not agree on the potential impact of this missense change (SIFT: "Tolerated"; PolyPhen-2: "Probably Damaging"; Align-GVGD: "Class C0"). This variant has not been reported in the literature in individuals with ANK2-related conditions. This variant is not present in population databases (ExAC no frequency). This sequence change replaces serine with arginine at codon 2226 of the ANK2 protein (p.Ser2226Arg). The serine residue is moderately conserved and there is a moderate physicochemical difference between serine and arginine.